The following is an entry in ClinVar:

NM_001903.5(CTNNA1):c.1991T>C (p.Ile664Thr)

Gene: CTNNA1 (catenin alpha 1; plus strand). Cytogenetic location: 5q31.2.
Variant type: single nucleotide variant.
Coding change: c.1991T>C on transcript NM_001903.5 (MANE Select); coding-DNA position 1991, T replaced by C.
Protein change: p.Ile664Thr; replaces isoleucine 664 with threonine.
Molecular consequence: missense variant.
Genome position (GRCh38, 1-based): chr5:138,929,337, T>C. VCF-style: chr5-138929337-T-C. GRCh37 (hg19) VCF-style: chr5-138265026-T-C.
Other names: c.1991T>C, p.Ile664Thr (NM_001290307.3, NM_001323982.2, NM_001323983.1 and 2 more transcripts); c.1682T>C, p.Ile561Thr (NM_001290309.3); c.1622T>C, p.Ile541Thr (NM_001290310.3); c.881T>C, p.Ile294Thr (NM_001290312.1, NM_001323987.1, NM_001323988.1 and 17 more transcripts); c.1898T>C, p.Ile633Thr (NM_001323986.2); c.542T>C, p.Ile181Thr (NM_001324006.1, NM_001324007.1, NM_001324008.1 and 2 more transcripts); c.788T>C, p.Ile263Thr (NM_001324011.1); c.638T>C, p.Ile213Thr (NM_001324012.1, NM_001324013.1); short protein forms I263T, I633T, I294T, I541T, I213T, I561T, I181T, I664T.
Identifiers: ClinVar variation 836360 (VCV000836360.9), dbSNP rs878854469, ClinGen allele CA361132899.
Genomic context (GRCh38, chr5:138,929,337, plus strand): 5'-AGACAGAAGATTTTGATGTCAGAAGCAGGACGAGCGTCCAGACAGAAGACGATCAGCTGA[T>C]AGCTGGCCAGAGTGCCCGGGTAAGGAAGCGCTCCGTGGGGCAGTTCAGCTTGTGCTGCCG-3'
Protein context (NP_001894.2, residues 654-674): TSVQTEDDQL[Ile664Thr]AGQSARAIMA

ClinVar aggregate classification (germline): Uncertain significance (1 of 4 stars; one submission).

Submission:

Labcorp Genetics (formerly Invitae), Labcorp
Classification: Uncertain significance. Last evaluated: 2019-04-26. Review status: criteria provided, single submitter. Criteria: Invitae Variant Classification Sherloc (09022015). Collection method: clinical testing. Allele origin: germline.
Comment: In summary, the available evidence is currently insufficient to determine the role of this variant in disease. Therefore, it has been classified as a Variant of Uncertain Significance. Algorithms developed to predict the effect of missense changes on protein structure and function are either unavailable or do not agree on the potential impact of this missense change (SIFT: "Deleterious"; PolyPhen-2: "Benign"; Align-GVGD: "Class C0"). This variant has not been reported in the literature in individuals with CTNNA1-related conditions. This variant is not present in population databases (ExAC no frequency). This sequence change replaces isoleucine with threonine at codon 664 of the CTNNA1 protein (p.Ile664Thr). The isoleucine residue is highly conserved and there is a moderate physicochemical difference between isoleucine and threonine.